The following is an entry in ClinVar:

ClinVar aggregate classification (germline): Likely benign (1 of 4 stars; one submission).

Conditions:
Amyloidosis, primary localized cutaneous, 1. Also called: AMYLOIDOSIS IX; Lichen amyloidosis familial; Amyloidosis 9; AMYLOIDOSIS, PRIMARY CUTANEOUS, 1. Identifiers: Orphanet 353220, MedGen C4551501, MONDO:0024522, OMIM 105250.

gnomAD v4.1: 1 of 1,614,228 alleles (0.000062%); highest among the groups gnomAD compares: Middle Eastern, 0.016%; no homozygotes.

Submission:

Medical Genetics Laboratory, Niloo Shiraz Laboratory
Classification: Likely benign for Amyloidosis, primary localized cutaneous, 1. Review status: criteria provided, single submitter. Criteria: ACMG Guidelines, 2015. Collection method: clinical testing. Allele origin: germline. Inheritance: Autosomal dominant inheritance. Affected: no.
Comment: In our cohort (Niloo-Genome), there are two clinically normal individuals carrying the same mutation in OSMR:c.A2536T. Additionally, this variant is present as a single heterozygous sample in the gnomAD database (Middle Eastern population). Based on its presence in healthy individuals both locally and in population databases, this mutation is classified as likely benign.

NM_003999.3(OSMR):c.2536A>T (p.Asn846Tyr)

Gene: OSMR (oncostatin M receptor; plus strand). Cytogenetic location: 5p13.1.
Variant type: single nucleotide variant.
Coding change: c.2536A>T on transcript NM_003999.3 (MANE Select); coding-DNA position 2536, A replaced by T.
Protein change: p.Asn846Tyr; replaces asparagine 846 with tyrosine.
Molecular consequence: missense variant.
Genome position (GRCh38, 1-based): chr5:38,933,040, A>T. VCF-style: chr5-38933040-A-T. GRCh37 (hg19) VCF-style: chr5-38933142-A-T.
Other names: c.2536A>T, p.Asn846Tyr (NM_001323505.2); c.2539A>T, p.Asn847Tyr (NM_001323506.2); short protein forms N846Y, N847Y.
Identifiers: ClinVar variation 4686619 (VCV004686619.1).